The following is an entry in ClinVar:

ClinVar aggregate classification (germline): Uncertain significance (1 of 4 stars; one submission).

Submission:

GeneDx
Classification: Uncertain significance. Last evaluated: 2026-01-31. Review status: criteria provided, single submitter. Criteria: GeneDx Variant Classification Process June 2021. Collection method: clinical testing. Allele origin: germline.
Comment: Not observed at significant frequency in large population cohorts (gnomAD); In silico analysis supports that this missense variant has a deleterious effect on protein structure/function; Has not been previously published as pathogenic or benign to our knowledge

NM_004370.6(COL12A1):c.7204A>G (p.Arg2402Gly)

Genes: COL12A1 (collagen type XII alpha 1 chain; minus strand), LOC126859712 (MED14-independent group 3 enhancer GRCh37_chr6:75828643-75829842; plus strand). Cytogenetic location: 6q13.
Variant type: single nucleotide variant.
Coding change: c.7204A>G on transcript NM_004370.6 (MANE Select); coding-DNA position 7204, A replaced by G.
Protein change: p.Arg2402Gly; replaces arginine 2402 with glycine.
Molecular consequence: missense variant.
Genome position (GRCh38, 1-based): chr6:75,119,356, T>C on the plus strand (A>G on the coding strand, the complement: COL12A1 is on the minus strand). VCF-style: chr6-75119356-T-C. GRCh37 (hg19) VCF-style: chr6-75829072-T-C.
Other names: c.7204A>G, p.Arg2402Gly (NM_001424113.1); c.7183A>G, p.Arg2395Gly (NM_001424114.1); c.6931A>G, p.Arg2311Gly (NM_001424115.1); c.3712A>G, p.Arg1238Gly (NM_001424116.1, NM_080645.3); short protein forms R1238G, R2311G, R2395G, R2402G.
Identifiers: ClinVar variation 4072831 (VCV004072831.2).